The following is an entry in ClinVar:

ClinVar aggregate classification (germline): Likely benign. Review status: criteria provided, single submitter (1 of 4 stars). 2 submissions from 2 submitters: Likely benign (1). 1 of the submissions does not count toward it. Last evaluated 2022-09-26.

Conditions:
Hereditary sensory and autonomic neuropathy type 7. Also called: Neuropathy, hereditary sensory and autonomic, type VII; HSAN VII. Identifiers: Orphanet 391397, MedGen C3809882, MONDO:0014244, OMIM 615548.
Familial episodic pain syndrome with predominantly lower limb involvement. Also called: Episodic pain syndrome, familial, 3. Identifiers: Orphanet 391384, Orphanet 391392, MedGen C3809899, MONDO:0014247, OMIM 615552.
SCN11A-related disorder. Also called: SCN11A-related condition.

Allele frequency attached by ClinVar (database versions not stated): gnomAD 0.00001; gnomAD exomes 0.00001; TOPMed 0.00001.
gnomAD v4.1: 12 of 1,612,886 alleles (0.00074%); highest among the groups gnomAD compares: South Asian, 0.0066%; no homozygotes.

Submissions (2):

Labcorp Genetics (formerly Invitae), Labcorp
Classification: Likely benign for Familial episodic pain syndrome with predominantly lower limb involvement; Hereditary sensory and autonomic neuropathy type 7. Last evaluated: 2022-09-26. Review status: criteria provided, single submitter. Criteria: Invitae Variant Classification Sherloc (09022015). Collection method: clinical testing. Allele origin: germline.

PreventionGenetics, part of Exact Sciences
Classification: Likely benign for SCN11A-related condition. Last evaluated: 2020-05-19. Review status: no assertion criteria provided. Collection method: clinical testing. Allele origin: germline. Not counted in ClinVar's aggregate classification.
Comment: This variant is classified as likely benign based on ACMG/AMP sequence variant interpretation guidelines (Richards et al. 2015 PMID: 25741868, with internal and published modifications).

NM_001349253.2(SCN11A):c.3864C>T (p.Phe1288=)

Gene: SCN11A (sodium voltage-gated channel alpha subunit 11; minus strand). Cytogenetic location: 3p22.2.
Variant type: single nucleotide variant.
Coding change: c.3864C>T on transcript NM_001349253.2 (MANE Select); coding-DNA position 3864, C replaced by T.
Protein change: p.Phe1288=; no amino-acid change (phenylalanine 1288 retained).
Molecular consequence: synonymous variant.
Genome position (GRCh38, 1-based): chr3:38,867,408, G>A on the plus strand (C>T on the coding strand, the complement: SCN11A is on the minus strand). VCF-style: chr3-38867408-G-A. GRCh37 (hg19) VCF-style: chr3-38908899-G-A.
Other names: c.3864C>T (NM_014139.2); c.3864C>T, p.Phe1288= (NM_014139.3).
Identifiers: ClinVar variation 1129832 (VCV001129832.9), dbSNP rs1162186968, ClinGen allele CA433141946.